The following is an entry in ClinVar:

ClinVar aggregate classification (germline): Uncertain significance (1 of 4 stars; one submission).

gnomAD v4.1: 1 of 1,614,228 alleles (0.000062%); highest among the groups gnomAD compares: Non-Finnish European, 0.000085%; no homozygotes.

Submission:

CeGaT Center for Human Genetics Tuebingen
Classification: Uncertain significance. Last evaluated: 2024-10-01. Review status: criteria provided, single submitter. Criteria: CeGaT Center For Human Genetics Tuebingen Variant Classification Criteria Version 2. Collection method: clinical testing. Allele origin: germline. Affected: yes. Observed: 1 variant allele.
Comment: THSD4: PM2, BP4

NM_024817.3(THSD4):c.2671G>A (p.Asp891Asn)

Gene: THSD4 (thrombospondin type 1 domain containing 4; plus strand). Cytogenetic location: 15q23.
Variant type: single nucleotide variant.
Coding change: c.2671G>A on transcript NM_024817.3 (MANE Select); coding-DNA position 2671, G replaced by A.
Protein change: p.Asp891Asn; replaces aspartic acid 891 with asparagine.
Molecular consequence: missense variant.
Genome position (GRCh38, 1-based): chr15:71,765,101, G>A. VCF-style: chr15-71765101-G-A. GRCh37 (hg19) VCF-style: chr15-72057440-G-A.
Other names: c.1591G>A, p.Asp531Asn (NM_001286429.2); c.2671G>A, p.Asp891Asn (NM_001394532.1); short protein forms D531N, D891N.
Identifiers: ClinVar variation 3388238 (VCV003388238.14).